The following is an entry in ClinVar:

ClinVar aggregate classification (germline): Uncertain significance. Review status: criteria provided, multiple submitters, no conflicts (2 of 4 stars). 3 submissions from 3 submitters: Uncertain significance (3). Last evaluated 2024-02-26.

Conditions:
Hereditary nonpolyposis colorectal neoplasms. Identifiers: MedGen C0009405, MeSH D003123.
Hereditary cancer-predisposing syndrome. Also called: Neoplastic Syndromes, Hereditary; Tumor predisposition; Hereditary Cancer Syndrome; Hereditary neoplastic syndrome. Identifiers: Orphanet 140162, MedGen C0027672, MeSH D009386, MONDO:0015356.

Allele frequency attached by ClinVar (database versions not stated): gnomAD exomes below 0.00001.
gnomAD v4.1: 2 of 1,614,118 alleles (0.00012%); highest among the groups gnomAD compares: Non-Finnish European, 0.00017%; no homozygotes.

Submissions (3):

Ambry Genetics
Classification: Uncertain significance for Hereditary cancer-predisposing syndrome. Last evaluated: 2024-02-26. Review status: criteria provided, single submitter. Criteria: Ambry Variant Classification Scheme 2023. Collection method: clinical testing. Allele origin: germline.
Comment: The p.E546D variant (also known as c.1638G>T), located in coding exon 4 of the MSH6 gene, results from a G to T substitution at nucleotide position 1638. The glutamic acid at codon 546 is replaced by aspartic acid, an amino acid with highly similar properties. This amino acid position is conserved. In addition, this alteration is predicted to be tolerated by in silico analysis. Based on the available evidence, the clinical significance of this alteration remains unclear.

Color Diagnostics, LLC DBA Color Health
Classification: Uncertain significance for Hereditary cancer-predisposing syndrome. Last evaluated: 2023-12-04. Review status: criteria provided, single submitter. Criteria: ACMG Guidelines, 2015. Collection method: clinical testing. Allele origin: germline.
Comment: This missense variant replaces glutamic acid with aspartic acid at codon 546 of the MSH6 protein. Computational prediction suggests that this variant may not impact protein structure and function (internally defined REVEL score threshold <= 0.5, PMID: 27666373). To our knowledge, functional studies have not been reported for this variant. This variant has not been reported in individuals affected with MSH6-related disorders in the literature. This variant has not been identified in the general population by the Genome Aggregation Database (gnomAD). The available evidence is insufficient to determine the role of this variant in disease conclusively. Therefore, this variant is classified as a Variant of Uncertain Significance.

Labcorp Genetics (formerly Invitae), Labcorp
Classification: Uncertain significance for Hereditary nonpolyposis colorectal neoplasms. Last evaluated: 2023-05-22. Review status: criteria provided, single submitter. Criteria: Invitae Variant Classification Sherloc (09022015). Collection method: clinical testing. Allele origin: germline.
Comment: This sequence change replaces glutamic acid, which is acidic and polar, with aspartic acid, which is acidic and polar, at codon 546 of the MSH6 protein (p.Glu546Asp). This variant is not present in population databases (gnomAD no frequency). This variant has not been reported in the literature in individuals affected with MSH6-related conditions. ClinVar contains an entry for this variant (Variation ID: 918488). Advanced modeling of protein sequence and biophysical properties (such as structural, functional, and spatial information, amino acid conservation, physicochemical variation, residue mobility, and thermodynamic stability) performed at Invitae indicates that this missense variant is not expected to disrupt MSH6 protein function. In summary, the available evidence is currently insufficient to determine the role of this variant in disease. Therefore, it has been classified as a Variant of Uncertain Significance.

NM_000179.3(MSH6):c.1638G>T (p.Glu546Asp)

Gene: MSH6 (mutS homolog 6; plus strand). Cytogenetic location: 2p16.3.
Variant type: single nucleotide variant.
Coding change: c.1638G>T on transcript NM_000179.3 (MANE Select); coding-DNA position 1638, G replaced by T.
Protein change: p.Glu546Asp; replaces glutamic acid 546 with aspartic acid.
Molecular consequence: missense variant.
Genome position (GRCh38, 1-based): chr2:47,799,621, G>T. VCF-style: chr2-47799621-G-T. GRCh37 (hg19) VCF-style: chr2-48026760-G-T.
Other names: c.1248G>T, p.Glu416Asp (NM_001281492.2); c.732G>T, p.Glu244Asp (NM_001281494.2, NM_001281493.2); short protein forms E416D, E244D, E546D.
Identifiers: ClinVar variation 918488 (VCV000918488.10), dbSNP rs1669356333, ClinGen allele CA346747195.